The following is an entry in ClinVar:

ClinVar aggregate classification (germline): Pathogenic (1 of 4 stars; one submission).

Conditions:
Rubinstein-Taybi syndrome due to EP300 haploinsufficiency. Also called: RUBINSTEIN-TAYBI SYNDROME 2; EP300-Related Rubinstein-Taybi Syndrome. Identifiers: Orphanet 353284, Orphanet 783, MedGen C3150941, MONDO:0013364, OMIM 613684.

Submission:

Gansu Provincial Maternity and Child Care Hospital
Classification: Pathogenic for Rubinstein-Taybi syndrome due to EP300 haploinsufficiency. Last evaluated: 2026-04-12. Review status: criteria provided, single submitter. Criteria: ACMG Guidelines, 2015. Collection method: clinical testing. Allele origin: de novo. Inheritance: Autosomal dominant inheritance. Affected: yes. Observed: 1 variant allele, 1 heterozygote.
Comment: The c.4795delC (p.Arg1599fs*25) variant is a frameshift variant that leads to premature termination of translation (PVS1). Parental verification confirmed it as a de novo variant (PS2). This site is not recorded in the gnomAD database (PM2_supporting).This variant is classified as pathogenic.

NM_001429.4(EP300):c.4795del (p.Arg1599fs)

Gene: EP300 (EP300 lysine acetyltransferase; plus strand). Cytogenetic location: 22q13.2.
Variant type: Deletion.
Coding change: c.4795del on transcript NM_001429.4 (MANE Select); coding-DNA position 4795, one base deleted (C; older notation c.4795delC).
Protein change: p.Arg1599fs; shifts the reading frame from arginine 1599.
Molecular consequence: frameshift variant.
Genome position (GRCh38, 1-based): chr22:41,176,262, C deleted; the last of 2 consecutive C bases (chr22:41,176,261-41,176,262); deleting either gives the same sequence. VCF-style (leftmost placement, unchanged base first): chr22-41176260-TC-T. GRCh37 (hg19) VCF-style: chr22-41572264-TC-T.
Other names: c.4717del, p.Arg1573fs (NM_001362843.2); short protein forms R1573fs, R1599fs.
Identifiers: ClinVar variation 4823913 (VCV004823913.1).